The following is an entry in ClinVar:

NM_000535.7(PMS2):c.991T>C (p.Cys331Arg)

Gene: PMS2 (PMS1 homolog 2, mismatch repair system component; minus strand). Cytogenetic location: 7p22.1.
Variant type: single nucleotide variant.
Coding change: c.991T>C on transcript NM_000535.7 (MANE Select); coding-DNA position 991, T replaced by C.
Protein change: p.Cys331Arg; replaces cysteine 331 with arginine.
Molecular consequence: missense variant. On other transcripts: non-coding transcript variant (1), intron variant (2).
Genome position (GRCh38, 1-based): chr7:5,989,953, A>G on the plus strand (T>C on the coding strand, the complement: PMS2 is on the minus strand). VCF-style: chr7-5989953-A-G. GRCh37 (hg19) VCF-style: chr7-6029584-A-G.
Other names: c.673T>C, p.Cys225Arg (NM_001406903.1, NM_001406883.1, NM_001322007.2 and 2 more transcripts); c.478T>C, p.Cys160Arg (NM_001406904.1, NM_001406905.1); c.586T>C, p.Cys196Arg (NM_001406908.1, NM_001406910.1, NM_001406887.1 and 17 more transcripts); c.418T>C, p.Cys140Arg (NM_001406909.1, NM_001322013.2); c.220T>C, p.Cys74Arg (NM_001406911.1); c.682T>C, p.Cys228Arg (NM_001406879.1, NM_001406880.1, NM_001406881.1 and 5 more transcripts); c.655T>C, p.Cys219Arg (NM_001406885.1); c.625T>C, p.Cys209Arg (NM_001406886.1); and 9 more; short protein forms C196R, C219R, C331R, C160R, C209R, C20R, C225R, C275R.
Identifiers: ClinVar variation 1768618 (VCV001768618.3), dbSNP rs1554298831, ClinGen allele CA366743038.
Genomic context (GRCh38, chr7:5,989,953, plus strand): 5'-AAAGCTTTTCCTCTTGTAGCAAAATTTGCCTTTTATCTGGAGTAACATTGATATCAACGC[A>G]TTCTAAGGCAAAAAAGAAAACATATTTATTATGTTTAAATTCACTTTTATTTTATTTATT-3'
Protein context (NP_000526.2, residues 321-341): VVLNISVDSE[Cys331Arg]VDINVTPDKR

ClinVar aggregate classification (germline): Uncertain significance (1 of 4 stars; one submission).

Conditions:
Hereditary cancer-predisposing syndrome. Also called: Hereditary Cancer Syndrome; Hereditary neoplastic syndrome; Neoplastic Syndromes, Hereditary; Tumor predisposition. Identifiers: Orphanet 140162, MedGen C0027672, MeSH D009386, MONDO:0015356.

Submission:

Ambry Genetics
Classification: Uncertain significance for Hereditary cancer-predisposing syndrome. Last evaluated: 2025-06-24. Review status: criteria provided, single submitter. Criteria: Ambry Variant Classification Scheme 2023. Collection method: clinical testing. Allele origin: germline.
Comment: The p.C331R variant (also known as c.991T>C), located in coding exon 10 of the PMS2 gene, results from a T to C substitution at nucleotide position 991. The cysteine at codon 331 is replaced by arginine, an amino acid with highly dissimilar properties. This amino acid position is highly conserved in available vertebrate species. In addition, this alteration is predicted to be deleterious by in silico analysis. Based on the available evidence, the clinical significance of this variant remains unclear.